The following is an entry in ClinVar:

NM_004260.4(RECQL4):c.2815G>A (p.Ala939Thr)

Gene: RECQL4 (RecQ like helicase 4; minus strand). Cytogenetic location: 8q24.3.
Variant type: single nucleotide variant.
Coding change: c.2815G>A on transcript NM_004260.4 (MANE Select); coding-DNA position 2815, G replaced by A.
Protein change: p.Ala939Thr; replaces alanine 939 with threonine.
Molecular consequence: missense variant. On other transcripts: non-coding transcript variant (3).
Genome position (GRCh38, 1-based): chr8:144,512,712, C>T on the plus strand (G>A on the coding strand, the complement: RECQL4 is on the minus strand). VCF-style: chr8-144512712-C-T. GRCh37 (hg19) VCF-style: chr8-145738095-C-T.
Other names: c.2521G>A, p.Ala841Thr (NM_001413017.1); c.2617G>A, p.Ala873Thr (NM_001413018.1); c.2890G>A, p.Ala964Thr (NM_001413019.1); c.2719G>A, p.Ala907Thr (NM_001413020.1); c.1744G>A, p.Ala582Thr (NM_001413021.1, NM_001413022.1, NM_001413024.1 and 4 more transcripts); c.1819G>A, p.Ala607Thr (NM_001413023.1); c.2686G>A, p.Ala896Thr (NM_001413025.1); c.1678G>A, p.Ala560Thr (NM_001413027.1, NM_001413030.1, NM_001413032.1); and 9 more; short protein forms A450T, A538T, A572T, A822T, A841T, A896T, A907T, A939T.
Identifiers: ClinVar variation 3431922 (VCV003431922.1).
Genomic context (GRCh38, chr8:144,512,712, plus strand): 5'-GGGCCTGGAGCTGGGCAGGGCCCCCAGGGCAGTTCAGACGGCAATGGGTATAGGTGGTCG[C>T]CAGCAGCTCCAGCCAGTGGTGTGGGTGCAGCTCCAGGTAGCACAGCAAAGTCTCGATGGC-3'
Protein context (NP_004251.4, residues 929-949): LHPHHWLELL[Ala939Thr]TTYTHCRLNC

ClinVar aggregate classification (germline): Uncertain significance (1 of 4 stars; one submission).

Conditions:
Inborn genetic diseases. Identifiers: MedGen C0950123, MeSH D030342.

Submission:

Ambry Genetics
Classification: Uncertain significance for Inborn genetic diseases. Last evaluated: 2024-12-08. Review status: criteria provided, single submitter. Criteria: Ambry Variant Classification Scheme 2023. Collection method: clinical testing. Allele origin: germline.
Comment: The p.A939T variant (also known as c.2815G>A), located in coding exon 16 of the RECQL4 gene, results from a G to A substitution at nucleotide position 2815. The alanine at codon 939 is replaced by threonine, an amino acid with similar properties. This amino acid position is conserved. Based on the available evidence, the clinical significance of this variant remains unclear.